The following is an entry in ClinVar:

ClinVar aggregate classification (germline): Likely pathogenic (1 of 4 stars; one submission).

Conditions:
Fanconi anemia (FA). Also called: Fanconi's anemia. Identifiers: Orphanet 84, MedGen C0015625, MeSH D005199, MONDO:0019391.

Allele frequency attached by ClinVar (database versions not stated): ExAC 0.00001.
gnomAD v4.1: 1 of 1,614,096 alleles (0.000062%); highest among the groups gnomAD compares: Non-Finnish European, 0.000085%; no homozygotes.

Submissions (2):

Labcorp Genetics (formerly Invitae), Labcorp
Classification: Likely pathogenic for Fanconi anemia. Last evaluated: 2022-12-14. Review status: criteria provided, single submitter. Criteria: Invitae Variant Classification Sherloc (09022015). Collection method: clinical testing. Allele origin: germline.
Comment: This variant has not been reported in the literature in individuals affected with FANCA-related conditions. In summary, the currently available evidence indicates that the variant is pathogenic, but additional data are needed to prove that conclusively. Therefore, this variant has been classified as Likely Pathogenic. Algorithms developed to predict the effect of sequence changes on RNA splicing suggest that this variant may disrupt the consensus splice site. This variant is present in population databases (rs746514288, gnomAD 0.0009%). This sequence change affects a donor splice site in intron 13 of the FANCA gene. It is expected to disrupt RNA splicing. Variants that disrupt the donor or acceptor splice site typically lead to a loss of protein function (PMID: 16199547), and loss-of-function variants in FANCA are known to be pathogenic (PMID: 19367192).

Dr. Peter K. Rogan Lab, Western University
No classification provided (evidence only). Condition: Gastric cancer. Review status: no classification provided. Collection method: in vitro. Allele origin: not applicable. Functional consequence: retained intron. Not counted in ClinVar's aggregate classification.

Literature cited by the submitters: PubMed 16199547 (cited by Labcorp Genetics (formerly Invitae), Labcorp); PubMed 19367192 (cited by Labcorp Genetics (formerly Invitae), Labcorp).

NM_000135.4(FANCA):c.1225+2T>A

Gene: FANCA (FA complementation group A; minus strand). Cytogenetic location: 16q24.3.
Variant type: single nucleotide variant.
Coding change: c.1225+2T>A on transcript NM_000135.4 (MANE Select); the canonical splice donor site of the intron after coding-DNA position 1225, T replaced by A.
Molecular consequence: splice donor variant.
Genome position (GRCh38, 1-based): chr16:89,791,925, A>T on the plus strand (T>A on the coding strand, the complement: FANCA is on the minus strand). VCF-style: chr16-89791925-A-T. GRCh37 (hg19) VCF-style: chr16-89858333-A-T.
Other names: c.1225+2T>A (NM_001286167.3).
Identifiers: ClinVar variation 1985949 (VCV001985949.5), dbSNP rs746514288, ClinGen allele CA8252476.